The following is an entry in ClinVar:

ClinVar aggregate classification (germline): Uncertain significance (1 of 4 stars; one submission).

Conditions:
Bardet-Biedl syndrome (BBS). Identifiers: Orphanet 110, MedGen C0752166, MONDO:0015229.

Allele frequency attached by ClinVar (database versions not stated): gnomAD 0.00001.
gnomAD v4.1: 1 of 1,614,092 alleles (0.000062%); highest among the groups gnomAD compares: Admixed American, 0.0017%; no homozygotes.

Submission:

Labcorp Genetics (formerly Invitae), Labcorp
Classification: Uncertain significance for Bardet-Biedl syndrome. Last evaluated: 2020-08-18. Review status: criteria provided, single submitter. Criteria: Invitae Variant Classification Sherloc (09022015). Collection method: clinical testing. Allele origin: germline.
Comment: This variant is not present in population databases (ExAC no frequency). This sequence change replaces alanine with threonine at codon 831 of the BBS9 protein (p.Ala831Thr). The alanine residue is highly conserved and there is a small physicochemical difference between alanine and threonine. This variant has not been reported in the literature in individuals with BBS9-related conditions. Algorithms developed to predict the effect of missense changes on protein structure and function output the following: SIFT: "Deleterious"; PolyPhen-2: "Benign"; Align-GVGD: "Class C0". The threonine amino acid residue is found in multiple mammalian species, suggesting that this missense change does not adversely affect protein function. These predictions have not been confirmed by published functional studies and their clinical significance is uncertain. In summary, the available evidence is currently insufficient to determine the role of this variant in disease. Therefore, it has been classified as a Variant of Uncertain Significance.

NM_198428.3(BBS9):c.2491G>A (p.Ala831Thr)

Gene: BBS9 (Bardet-Biedl syndrome 9; plus strand). Cytogenetic location: 7p14.3.
Variant type: single nucleotide variant.
Coding change: c.2491G>A on transcript NM_198428.3 (MANE Select); coding-DNA position 2491, G replaced by A.
Protein change: p.Ala831Thr; replaces alanine 831 with threonine.
Molecular consequence: missense variant. On other transcripts: non-coding transcript variant (3).
Genome position (GRCh38, 1-based): chr7:33,534,146, G>A. VCF-style: chr7-33534146-G-A. GRCh37 (hg19) VCF-style: chr7-33573758-G-A.
Other names: c.2386G>A, p.Ala796Thr (NM_001033604.2); c.2476G>A, p.Ala826Thr (NM_001033605.2); c.2125G>A, p.Ala709Thr (NM_001348046.3, NM_001348045.3); c.2491G>A, p.Ala831Thr (NM_001362679.1, NM_001348036.1, NM_001348041.4 and 1 more transcripts); c.2371G>A, p.Ala791Thr (NM_014451.4, NM_001348040.3); c.1942G>A, p.Ala648Thr (NM_001348037.3); c.2218G>A, p.Ala740Thr (NM_001348038.3); c.2113G>A, p.Ala705Thr (NM_001348039.3); and 2 more; short protein forms A648T, A674T, A705T, A709T, A740T, A786T, A791T, A796T.
Identifiers: ClinVar variation 1022032 (VCV001022032.8), dbSNP rs1851012393, ClinGen allele CA367257094.